The following is an entry in ClinVar:

ClinVar aggregate classification (germline): Uncertain significance. Review status: criteria provided, multiple submitters, no conflicts (2 of 4 stars). 2 submissions from 2 submitters: Uncertain significance (2). Last evaluated 2025-10-21.

Conditions:
Inborn genetic diseases. Identifiers: MedGen C0950123, MeSH D030342.

Allele frequency attached by ClinVar (database versions not stated): gnomAD exomes below 0.00001.
gnomAD v4.1: 5 of 1,555,680 alleles (0.00032%); highest among the groups gnomAD compares: Non-Finnish European, 0.00044%; no homozygotes.

Submissions (2):

Mayo Clinic Laboratories, Mayo Clinic
Classification: Uncertain significance. Last evaluated: 2025-10-21. Review status: criteria provided, single submitter. Criteria: ACMG Guidelines, 2015. Collection method: clinical testing. Allele origin: germline. Observed: 1 variant allele.
Comment: PP3_strong

Ambry Genetics
Classification: Uncertain significance for Inborn genetic diseases. Last evaluated: 2022-11-07. Review status: criteria provided, single submitter. Criteria: Ambry Variant Classification Scheme 2023. Collection method: clinical testing. Allele origin: germline.

NM_000532.5(PCCB):c.443C>G (p.Ala148Gly)

Gene: PCCB (propionyl-CoA carboxylase subunit beta; plus strand). Cytogenetic location: 3q22.3.
Variant type: single nucleotide variant.
Coding change: c.443C>G on transcript NM_000532.5 (MANE Select); coding-DNA position 443, C replaced by G.
Protein change: p.Ala148Gly; replaces alanine 148 with glycine.
Molecular consequence: missense variant.
Genome position (GRCh38, 1-based): chr3:136,261,965, C>G. VCF-style: chr3-136261965-C-G. GRCh37 (hg19) VCF-style: chr3-135980807-C-G.
Other names: p.Ala148Gly; c.503C>G, p.Ala168Gly (NM_001178014.2); short protein forms A148G, A168G.
Identifiers: ClinVar variation 2323309 (VCV002323309.3), dbSNP rs1260255508, ClinGen allele CA354739548.